The following is an entry in ClinVar:

ClinVar aggregate classification (germline): Pathogenic (1 of 4 stars; one submission).

Conditions:
Fanconi anemia complementation group O. Also called: RAD51C-Related Fanconi Anemia. Identifiers: Orphanet 84, MedGen C3150653, MONDO:0013248, OMIM 613390.

Submission:

Labcorp Genetics (formerly Invitae), Labcorp
Classification: Pathogenic for Fanconi anemia complementation group O. Last evaluated: 2024-01-09. Review status: criteria provided, single submitter. Criteria: Invitae Variant Classification Sherloc (09022015). Collection method: clinical testing. Allele origin: germline.
Comment: This sequence change creates a premature translational stop signal (p.Pro18Argfs*8) in the RAD51C gene. It is expected to result in an absent or disrupted protein product. Loss-of-function variants in RAD51C are known to be pathogenic (PMID: 20400964, 21990120, 24800917, 29278735). This variant is not present in population databases (gnomAD no frequency). This variant has not been reported in the literature in individuals affected with RAD51C-related conditions. For these reasons, this variant has been classified as Pathogenic.

Literature cited by the submitters: PubMed 20400964; PubMed 21990120; PubMed 24800917; PubMed 29278735.

NM_058216.3(RAD51C):c.53del (p.Pro18fs)

Gene: RAD51C (RAD51 paralog C; plus strand). Cytogenetic location: 17q22.
Variant type: Deletion.
Coding change: c.53del on transcript NM_058216.3 (MANE Select); coding-DNA position 53, one base deleted (C; older notation c.53delC).
Protein change: p.Pro18fs; shifts the reading frame from proline 18.
Molecular consequence: frameshift variant. On other transcripts: non-coding transcript variant (1).
Genome position (GRCh38, 1-based): chr17:58,692,696, C deleted; the last of 3 consecutive C bases (chr17:58,692,694-58,692,696); deleting any one gives the same sequence. VCF-style (leftmost placement, unchanged base first): chr17-58692693-TC-T. GRCh37 (hg19) VCF-style: chr17-56770054-TC-T.
Other names: c.53del, p.Pro18fs (NM_002876.4); c.53delC, p.Pro18Argfs (NM_058217.1); short protein forms P18fs.
Identifiers: ClinVar variation 2708568 (VCV002708568.3), dbSNP rs1598448896, ClinGen allele CA2697560123.